The following is an entry in ClinVar:

NM_001256317.3(TMPRSS3):c.1A>G (p.Met1Val)

Gene: TMPRSS3 (transmembrane serine protease 3; minus strand). Cytogenetic location: 21q22.3.
Variant type: single nucleotide variant.
Coding change: c.1A>G on transcript NM_001256317.3 (MANE Select); coding-DNA position 1, A replaced by G.
Protein change: p.Met1Val; changes the start codon (methionine 1).
Molecular consequence: missense variant, initiator codon variant.
Genome position (GRCh38, 1-based): chr21:42,395,417, T>C on the plus strand (A>G on the coding strand, the complement: TMPRSS3 is on the minus strand). VCF-style: chr21-42395417-T-C. GRCh37 (hg19) VCF-style: chr21-43815526-T-C.
Other names: c.1A>G, p.Met1Val (NM_024022.4, NM_032405.2); short protein forms M1V.
Identifiers: ClinVar variation 1995820 (VCV001995820.5), dbSNP rs1205889080, ClinGen allele CA410376250.

ClinVar aggregate classification (germline): Pathogenic (1 of 4 stars; one submission).

Allele frequency attached by ClinVar (database versions not stated): gnomAD exomes below 0.00001.

Submission:

Labcorp Genetics (formerly Invitae), Labcorp
Classification: Pathogenic. Last evaluated: 2023-12-09. Review status: criteria provided, single submitter. Criteria: Invitae Variant Classification Sherloc (09022015). Collection method: clinical testing. Allele origin: germline.
Comment: This sequence change affects the initiator methionine of the TMPRSS3 mRNA. The next in-frame methionine is located at codon 128. This variant is present in population databases (no rsID available, gnomAD 0.007%). This variant has not been reported in the literature in individuals affected with TMPRSS3-related conditions. ClinVar contains an entry for this variant (Variation ID: 1995820). This variant disrupts a region of the TMPRSS3 protein in which other variant(s) (p.Arg106Cys) have been determined to be pathogenic (PMID: 23967202, 28246597). This suggests that this is a clinically significant region of the protein, and that variants that disrupt it are likely to be disease-causing. For these reasons, this variant has been classified as Pathogenic.

Literature cited by the submitters: PubMed 23967202; PubMed 28246597.